The following is an entry in ClinVar:

ClinVar aggregate classification (germline): Likely benign. Review status: criteria provided, multiple submitters, no conflicts (2 of 4 stars). 3 submissions from 3 submitters: Likely benign (3). Last evaluated 2025-07-24.

Conditions:
PRPF8-related disorder. Also called: PRPF8-related condition.

Allele frequency attached by ClinVar (database versions not stated): ESP Exome Variant Server 0.00015; gnomAD 0.00017 and 0.00019; TOPMed 0.00017.
gnomAD v4.1: 51 of 1,614,058 alleles (0.0032%); highest among the groups gnomAD compares: African/African-American, 0.047%; no homozygotes.

Submissions (3):

Labcorp Genetics (formerly Invitae), Labcorp
Classification: Likely benign. Last evaluated: 2025-07-24. Review status: criteria provided, single submitter. Criteria: Invitae Variant Classification Sherloc (09022015). Collection method: clinical testing. Allele origin: germline.

PreventionGenetics, part of Exact Sciences
Classification: Likely benign for PRPF8-related condition. Last evaluated: 2024-12-27. Review status: criteria provided, single submitter. Criteria: ACMG Guidelines, 2015. Collection method: clinical testing. Allele origin: germline.
Comment: This variant is classified as likely benign based on ACMG/AMP sequence variant interpretation guidelines (Richards et al. 2015 PMID: 25741868, with internal and published modifications).

Blueprint Genetics
Classification: Likely benign. Last evaluated: 2023-05-26. Review status: criteria provided, single submitter. Criteria: ACMG Guidelines, 2015. Collection method: clinical testing. Allele origin: germline.

NM_006445.4(PRPF8):c.6900C>T (p.Asn2300=)

Gene: PRPF8 (pre-mRNA processing factor 8; minus strand). Cytogenetic location: 17p13.3.
Variant type: single nucleotide variant.
Coding change: c.6900C>T on transcript NM_006445.4 (MANE Select); coding-DNA position 6900, C replaced by T.
Protein change: p.Asn2300=; no amino-acid change (asparagine 2300 retained).
Molecular consequence: synonymous variant.
Genome position (GRCh38, 1-based): chr17:1,650,910, G>A on the plus strand (C>T on the coding strand, the complement: PRPF8 is on the minus strand). VCF-style: chr17-1650910-G-A. GRCh37 (hg19) VCF-style: chr17-1554204-G-A.
Other names: c.6900C>T (NM_006445.3).
Identifiers: ClinVar variation 1120462 (VCV001120462.9), dbSNP rs141762321, ClinGen allele CA8271051.